The following is an entry in ClinVar:

ClinVar aggregate classification (germline): Uncertain significance (1 of 4 stars; one submission).

Conditions:
Hereditary cancer-predisposing syndrome. Also called: Neoplastic Syndromes, Hereditary; Tumor predisposition; Hereditary Cancer Syndrome; Hereditary neoplastic syndrome. Identifiers: Orphanet 140162, MedGen C0027672, MeSH D009386, MONDO:0015356.

Submission:

Ambry Genetics
Classification: Uncertain significance for Hereditary cancer-predisposing syndrome. Last evaluated: 2024-09-22. Review status: criteria provided, single submitter. Criteria: Ambry Variant Classification Scheme 2023. Collection method: clinical testing. Allele origin: germline.
Comment: The p.Q876E variant (also known as c.2626C>G), located in coding exon 16 of the RAD50 gene, results from a C to G substitution at nucleotide position 2626. The glutamine at codon 876 is replaced by glutamic acid, an amino acid with highly similar properties. This amino acid position is conserved. In addition, this alteration is predicted to be tolerated by in silico analysis. Based on the available evidence, the clinical significance of this variant remains unclear.

NM_005732.4(RAD50):c.2626C>G (p.Gln876Glu)

Gene: RAD50 (RAD50 double strand break repair protein; plus strand). Cytogenetic location: 5q31.1.
Variant type: single nucleotide variant.
Coding change: c.2626C>G on transcript NM_005732.4 (MANE Select); coding-DNA position 2626, C replaced by G.
Protein change: p.Gln876Glu; replaces glutamine 876 with glutamic acid.
Molecular consequence: missense variant.
Genome position (GRCh38, 1-based): chr5:132,604,907, C>G. VCF-style: chr5-132604907-C-G. GRCh37 (hg19) VCF-style: chr5-131940599-C-G.
Other names: short protein forms Q876E.
Identifiers: ClinVar variation 3429499 (VCV003429499.1).
Genomic context (GRCh38, chr5:132,604,907, plus strand): 5'-CAGCAGGAACAGATTCAACATCTAAAAAGTACAACAAATGAGCTAAAATCTGAGAAACTT[C>G]AGATATCCACTAATTTGCAACGTCGTCAGCAACTGGAGGAGCAGACTGTGGAATTATCCA-3'
Protein context (NP_005723.2, residues 866-886): TTNELKSEKL[Gln876Glu]ISTNLQRRQQ